The following is an entry in ClinVar:

NM_000057.4(BLM):c.943T>G (p.Ser315Ala)

Gene: BLM (BLM RecQ like helicase; plus strand). Cytogenetic location: 15q26.1.
Variant type: single nucleotide variant.
Coding change: c.943T>G on transcript NM_000057.4 (MANE Select); coding-DNA position 943, T replaced by G.
Protein change: p.Ser315Ala; replaces serine 315 with alanine.
Molecular consequence: missense variant. On other transcripts: 5 prime UTR variant (1).
Genome position (GRCh38, 1-based): chr15:90,751,930, T>G. VCF-style: chr15-90751930-T-G. GRCh37 (hg19) VCF-style: chr15-91295160-T-G.
Other names: c.943T>G, p.Ser315Ala (NM_001287246.2, NM_001287247.2); c.-349T>G (NM_001287248.2); short protein forms S315A.
Identifiers: ClinVar variation 2849405 (VCV002849405.4), dbSNP rs2505400543, ClinGen allele CA393841930.

ClinVar aggregate classification (germline): Uncertain significance. Review status: criteria provided, multiple submitters, no conflicts (2 of 4 stars). 2 submissions from 2 submitters: Uncertain significance (2). Last evaluated 2025-07-11.

Conditions:
Bloom syndrome (BLM). Also called: Bloom-Torre-Machacek syndrome. Identifiers: Orphanet 125, MedGen C0005859, MONDO:0008876, OMIM 210900.
Hereditary cancer-predisposing syndrome. Also called: Neoplastic Syndromes, Hereditary; Hereditary Cancer Syndrome; Tumor predisposition; Hereditary neoplastic syndrome. Identifiers: Orphanet 140162, MedGen C0027672, MeSH D009386, MONDO:0015356.

Allele frequency attached by ClinVar (database versions not stated): gnomAD exomes below 0.00001.
gnomAD v4.1: 1 of 1,612,284 alleles (0.000062%); highest among the groups gnomAD compares: African/African-American, 0.0013%; no homozygotes.

Submissions (2):

Ambry Genetics
Classification: Uncertain significance for Hereditary cancer-predisposing syndrome. Last evaluated: 2025-07-11. Review status: criteria provided, single submitter. Criteria: Ambry Variant Classification Scheme 2023. Collection method: clinical testing. Allele origin: germline.
Comment: The p.S315A variant (also known as c.943T>G), located in coding exon 3 of the BLM gene, results from a T to G substitution at nucleotide position 943. The serine at codon 315 is replaced by alanine, an amino acid with similar properties. This amino acid position is conserved. In addition, this alteration is predicted to be tolerated by in silico analysis. Based on the available evidence, the clinical significance of this variant remains unclear.

Labcorp Genetics (formerly Invitae), Labcorp
Classification: Uncertain significance for Bloom syndrome. Last evaluated: 2025-02-20. Review status: criteria provided, single submitter. Criteria: Invitae Variant Classification Sherloc (09022015). Collection method: clinical testing. Allele origin: germline.
Comment: This sequence change replaces serine, which is neutral and polar, with alanine, which is neutral and non-polar, at codon 315 of the BLM protein (p.Ser315Ala). This variant is not present in population databases (gnomAD no frequency). This variant has not been reported in the literature in individuals affected with BLM-related conditions. ClinVar contains an entry for this variant (Variation ID: 2849405). Invitae Evidence Modeling of protein sequence and biophysical properties (such as structural, functional, and spatial information, amino acid conservation, physicochemical variation, residue mobility, and thermodynamic stability) indicates that this missense variant is not expected to disrupt BLM protein function with a negative predictive value of 80%. In summary, the available evidence is currently insufficient to determine the role of this variant in disease. Therefore, it has been classified as a Variant of Uncertain Significance.